The following is an entry in ClinVar:

NM_002480.3(PPP1R12A):c.648-1G>C

Gene: PPP1R12A (protein phosphatase 1 regulatory subunit 12A; minus strand). Cytogenetic location: 12q21.2.
Variant type: single nucleotide variant.
Coding change: c.648-1G>C on transcript NM_002480.3 (MANE Select); the canonical splice acceptor site of the intron before coding-DNA position 648, G replaced by C.
Molecular consequence: splice acceptor variant.
Genome position (GRCh38, 1-based): chr12:79,828,465, C>G on the plus strand (G>C on the coding strand, the complement: PPP1R12A is on the minus strand). VCF-style: chr12-79828465-C-G. GRCh37 (hg19) VCF-style: chr12-80222245-C-G.
Other names: c.648-1G>C (NM_001244992.1, NM_001244990.2, NM_001143885.2); c.387-1G>C (NM_001143886.2).
Identifiers: ClinVar variation 4857454 (VCV004857454.1).

ClinVar aggregate classification (germline): Pathogenic (1 of 4 stars; one submission).

Conditions:
Genitourinary and/or brain malformation syndrome (GUBS). Also called: PPP1R12A-Related Urogenital and/or Brain Malformation Syndrome. Identifiers: MedGen C5394158, MONDO:0032934, OMIM 618820.

Submission:

Institute of Human Genetics, University of Leipzig Medical Center
Classification: Pathogenic for Genitourinary and/or brain malformation syndrome. Last evaluated: 2026-04-24. Review status: criteria provided, single submitter. Criteria: ACMG Guidelines, 2015. Collection method: clinical testing. Allele origin: unknown. Inheritance: Autosomal dominant inheritance. Affected: yes.
Comment: Criteria applied: PVS1,PM2